The following is an entry in ClinVar:

NM_170741.4(KCNJ16):c.-191+1=

Gene: KCNJ16 (potassium inwardly rectifying channel subfamily J member 16; plus strand). Cytogenetic location: 17q24.3.
Variant type: single nucleotide variant.
Coding change: c.-191+1= on transcript NM_170741.4 (MANE Select); the canonical splice donor site of the intron after 191 bases upstream of the start codon, no change from the reference sequence.
Molecular consequence: splice donor variant.
Genome position: GRCh38 VCF-style: chr17-70100767-G-G. GRCh37 (hg19) VCF-style: chr17-68096908-A-G.
Other names: c.-167+1A>G (NM_018658.2); c.-354+1= (NM_001291622.3); c.-400+1= (NM_001270422.2); c.-272+1= (NM_018658.4).
Identifiers: ClinVar variation 517056 (VCV000517056.2), dbSNP rs7226242.
Genomic context (GRCh38, chr17:70,100,767, plus strand): 5'-AACTGGCAGACTGGCACTTTATCTCAATTCTTAACTGCTGTGTTGCCTCTCACTTTAAAG[G=]TAAGAAATTAAACCAATTTTAACATGATTCTCCGAAAAACCAATACTTGCACTCCTTCCT-3'

ClinVar aggregate classification (germline): Benign. Review status: criteria provided, multiple submitters, no conflicts (2 of 4 stars). 2 submissions from 2 submitters: Benign (2). Last evaluated 2018-01-22.

Allele frequency attached by ClinVar (database versions not stated): 1000 Genomes Project 30x 0.81824; TOPMed 0.83031.

Submissions (2):

GeneDx
Classification: Benign. Last evaluated: 2018-01-22. Review status: criteria provided, single submitter. Criteria: GeneDx Variant Classification (06012015). Collection method: clinical testing. Allele origin: germline. Affected: yes.
Comment: This variant is considered likely benign or benign based on one or more of the following criteria: it is a conservative change, it occurs at a poorly conserved position in the protein, it is predicted to be benign by multiple in silico algorithms, and/or has population frequency not consistent with disease.

Breakthrough Genomics
Classification: Benign. Review status: criteria provided, single submitter. Criteria: ACMG Guidelines, 2015. Collection method: not provided. Allele origin: germline. Inheritance: Autosomal recessive inheritance. Affected: yes.